The following is an entry in ClinVar:

NM_002435.3(MPI):c.533A>C (p.His178Pro)

Gene: MPI (mannose phosphate isomerase; plus strand). Cytogenetic location: 15q24.1.
Variant type: single nucleotide variant.
Coding change: c.533A>C on transcript NM_002435.3 (MANE Select); coding-DNA position 533, A replaced by C.
Protein change: p.His178Pro; replaces histidine 178 with proline.
Molecular consequence: missense variant. On other transcripts: intron variant (1).
Genome position (GRCh38, 1-based): chr15:74,893,183, A>C. VCF-style: chr15-74893183-A-C. GRCh37 (hg19) VCF-style: chr15-75185524-A-C.
Other names: c.533A>C, p.His178Pro (NM_001289155.2); c.383A>C, p.His128Pro (NM_001289156.2); c.473A>C, p.His158Pro (NM_001330372.2); c.487+381A>C (NM_001289157.2); short protein forms H178P, H128P, H158P.
Identifiers: ClinVar variation 1400700 (VCV001400700.6), dbSNP rs2141200350, ClinGen allele CA393174250.

ClinVar aggregate classification (germline): Uncertain significance (1 of 4 stars; one submission).

Conditions:
MPI-congenital disorder of glycosylation. Also called: CONGENITAL DISORDER OF GLYCOSYLATION, TYPE Ib; MPI DEFICIENCY; MPI-CDG; MANNOSEPHOSPHATE ISOMERASE DEFICIENCY; CDG Ib; PROTEIN-LOSING ENTEROPATHY-HEPATIC FIBROSIS SYNDROME. Identifiers: Orphanet 79319, MedGen C1865145, MONDO:0011257, OMIM 602579.

Submission:

Labcorp Genetics (formerly Invitae), Labcorp
Classification: Uncertain significance for MPI-congenital disorder of glycosylation. Last evaluated: 2022-06-27. Review status: criteria provided, single submitter. Criteria: Invitae Variant Classification Sherloc (09022015). Collection method: clinical testing. Allele origin: germline.
Comment: In summary, the available evidence is currently insufficient to determine the role of this variant in disease. Therefore, it has been classified as a Variant of Uncertain Significance. Algorithms developed to predict the effect of missense changes on protein structure and function (SIFT, PolyPhen-2, Align-GVGD) all suggest that this variant is likely to be tolerated. This variant has not been reported in the literature in individuals affected with MPI-related conditions. This variant is not present in population databases (gnomAD no frequency). This sequence change replaces histidine, which is basic and polar, with proline, which is neutral and non-polar, at codon 178 of the MPI protein (p.His178Pro).